The following is an entry in ClinVar:

ClinVar aggregate classification (germline): Uncertain significance. Review status: criteria provided, multiple submitters, no conflicts (2 of 4 stars). 4 submissions from 4 submitters: Uncertain significance (3). 1 of the submissions does not count toward it. Last evaluated 2024-10-08.

Conditions:
BRCA2-related cancer predisposition. Identifiers: MedGen CN377758, MONDO:0700269.
Hereditary cancer-predisposing syndrome. Also called: Hereditary Cancer Syndrome; Neoplastic Syndromes, Hereditary; Hereditary neoplastic syndrome; Tumor predisposition. Identifiers: Orphanet 140162, MedGen C0027672, MeSH D009386, MONDO:0015356.
Hereditary breast ovarian cancer syndrome. Also called: Breast and ovarian cancer; Hereditary breast and/or ovarian cancer syndrome; Hereditary breast and ovarian cancer; Hereditary breast and ovarian cancer syndrome; Hereditary breast and ovarian cancer syndrome (HBOC); BRCA1- and BRCA2-Associated Hereditary Breast and Ovarian Cancer. Identifiers: Orphanet 145, MedGen C0677776, MeSH D061325, MONDO:0003582. Disease mechanism: loss of function.
Breast-ovarian cancer, familial, susceptibility to, 2 (BROVCA2). Also called: BRCA2 Hereditary Breast and Ovarian Cancer. Identifiers: Orphanet 145, MedGen C2675520, MONDO:0012933, OMIM 612555. Disease mechanism: loss of function.

Submissions (4):

Ambry Genetics
Classification: Uncertain significance for Hereditary cancer-predisposing syndrome. Last evaluated: 2024-10-08. Review status: criteria provided, single submitter. Criteria: Ambry Variant Classification Scheme 2023. Collection method: clinical testing. Allele origin: germline.
Comment: The p.T2564I variant (also known as c.7691C>T), located in coding exon 15 of the BRCA2 gene, results from a C to T substitution at nucleotide position 7691. The threonine at codon 2564 is replaced by isoleucine, an amino acid with similar properties. This amino acid position is poorly conserved in available vertebrate species. In addition, this alteration is predicted to be tolerated by in silico analysis. Based on the available evidence, the clinical significance of this variant remains unclear.

Labcorp Genetics (formerly Invitae), Labcorp
Classification: Uncertain significance for Hereditary breast ovarian cancer syndrome. Last evaluated: 2024-05-14. Review status: criteria provided, single submitter. Criteria: Invitae Variant Classification Sherloc (09022015). Collection method: clinical testing. Allele origin: germline.
Comment: This sequence change replaces threonine, which is neutral and polar, with isoleucine, which is neutral and non-polar, at codon 2564 of the BRCA2 protein (p.Thr2564Ile). This variant is not present in population databases (gnomAD no frequency). This missense change has been observed in individual(s) with pancreatic cancer (PMID: 35171259). ClinVar contains an entry for this variant (Variation ID: 96857). Advanced modeling of protein sequence and biophysical properties (such as structural, functional, and spatial information, amino acid conservation, physicochemical variation, residue mobility, and thermodynamic stability) performed at Invitae indicates that this missense variant is not expected to disrupt BRCA2 protein function with a negative predictive value of 95%. In summary, the available evidence is currently insufficient to determine the role of this variant in disease. Therefore, it has been classified as a Variant of Uncertain Significance.

All of Us Research Program, National Institutes of Health
Classification: Uncertain significance for BRCA2-related cancer predisposition. Last evaluated: 2024-02-22. Review status: criteria provided, single submitter. Criteria: ACMG Guidelines, 2015. Collection method: clinical testing. Allele origin: germline. Inheritance: Autosomal dominant inheritance. Observed: 1 variant allele, 1 heterozygote.
Comment: This missense variant replaces threonine with isoleucine at codon 2564 of the BRCA2 protein. Computational prediction suggests that this variant may not impact protein structure and function. To our knowledge, functional studies have not been reported for this variant. This variant has been reported in an individual affected with pancreatic cancer (PMID: 35171259). This variant has not been identified in the general population by the Genome Aggregation Database (gnomAD). The available evidence is insufficient to determine the role of this variant in disease conclusively. Therefore, this variant is classified as a Variant of Uncertain Significance.

This study involves interpretation of variants in research participants for the purpose of population health screening. Participant phenotype was not available at the time of variant classification. Additional details can be found in publication PMID: 35346344, PMCID: PMC8962531

Sharing Clinical Reports Project (SCRP)
Classification: Uncertain significance for Breast-ovarian cancer, familial 2. Last evaluated: 2008-03-20. Review status: no assertion criteria provided. Collection method: clinical testing. Allele origin: germline. Not counted in ClinVar's aggregate classification.

Literature cited by the submitters: PubMed 35171259 (cited by Labcorp Genetics (formerly Invitae), Labcorp and All of Us Research Program, National Institutes of Health).

NM_000059.4(BRCA2):c.7691C>T (p.Thr2564Ile)

Gene: BRCA2 (BRCA2 DNA repair associated; plus strand). Cytogenetic location: 13q13.1.
Variant type: single nucleotide variant.
Coding change: c.7691C>T on transcript NM_000059.4 (MANE Select); coding-DNA position 7691, C replaced by T.
Protein change: p.Thr2564Ile; replaces threonine 2564 with isoleucine.
Molecular consequence: missense variant.
Genome position (GRCh38, 1-based): chr13:32,357,815, C>T. VCF-style: chr13-32357815-C-T. GRCh37 (hg19) VCF-style: chr13-32931952-C-T.
Other names: 7919C>T; short protein forms T2564I.
Identifiers: ClinVar variation 96857 (VCV000096857.10), dbSNP rs431825355, ClinGen allele CA025234.